The following is an entry in ClinVar:

ClinVar aggregate classification (germline): Uncertain significance. Review status: criteria provided, multiple submitters, no conflicts (2 of 4 stars). 2 submissions from 2 submitters: Uncertain significance (2). Last evaluated 2026-04-24.

gnomAD v4.1: 1 of 1,614,088 alleles (0.000062%); highest among the groups gnomAD compares: South Asian, 0.0011%; no homozygotes.

Submissions (2):

GeneDx
Classification: Uncertain significance. Last evaluated: 2026-04-24. Review status: criteria provided, single submitter. Criteria: GeneDx Variant Classification Process June 2021. Collection method: clinical testing. Allele origin: germline.
Comment: Not observed at significant frequency in large population cohorts (gnomAD); In silico analysis supports that this missense variant has a deleterious effect on protein structure/function; Has not been previously published as pathogenic or benign to our knowledge

Labcorp Genetics (formerly Invitae), Labcorp
Classification: Uncertain significance. Last evaluated: 2024-05-29. Review status: criteria provided, single submitter. Criteria: Invitae Variant Classification Sherloc (09022015). Collection method: clinical testing. Allele origin: germline.
Comment: This sequence change replaces proline, which is neutral and non-polar, with serine, which is neutral and polar, at codon 669 of the MTOR protein (p.Pro669Ser). This variant is not present in population databases (gnomAD no frequency). This variant has not been reported in the literature in individuals affected with MTOR-related conditions. An algorithm developed to predict the effect of missense changes on protein structure and function (PolyPhen-2) suggests that this variant is likely to be disruptive. In summary, the available evidence is currently insufficient to determine the role of this variant in disease. Therefore, it has been classified as a Variant of Uncertain Significance.

NM_004958.4(MTOR):c.2005C>T (p.Pro669Ser)

Gene: MTOR (mechanistic target of rapamycin kinase; minus strand). Cytogenetic location: 1p36.22.
Variant type: single nucleotide variant.
Coding change: c.2005C>T on transcript NM_004958.4 (MANE Select); coding-DNA position 2005, C replaced by T.
Protein change: p.Pro669Ser; replaces proline 669 with serine.
Molecular consequence: missense variant.
Genome position (GRCh38, 1-based): chr1:11,238,046, G>A on the plus strand (C>T on the coding strand, the complement: MTOR is on the minus strand). VCF-style: chr1-11238046-G-A. GRCh37 (hg19) VCF-style: chr1-11298103-G-A.
Other names: c.2005C>T, p.Pro669Ser (NM_001386500.1); c.757C>T, p.Pro253Ser (NM_001386501.1); short protein forms P669S, P253S.
Identifiers: ClinVar variation 3709770 (VCV003709770.4).
Genomic context (GRCh38, chr1:11,238,046, plus strand): 5'-GGGCCAGGTGTGCATCAAAGCGCTCGTCCAGGGACGCCAAGACACAGTAGCGAATGTCAG[G>A]GTCTGCAAGAGCAATGGAGCCTTTGAACATTTCCTCATGATCCCATCACTCCAGCCCTTC-3'
Protein context (NP_004949.1, residues 659-679): LLVVGITDPD[Pro669Ser]DIRYCVLASL